The following is an entry in ClinVar:

ClinVar aggregate classification (germline): Likely pathogenic (1 of 4 stars; one submission).

Conditions:
Familial cancer of breast. Also called: hereditary breast carcinoma; BREAST CANCER, FAMILIAL; Hereditary breast cancer. Identifiers: Orphanet 227535, MedGen C0346153, MONDO:0016419, OMIM 114480. Disease mechanism: loss of function.

Submission:

Labcorp Genetics (formerly Invitae), Labcorp
Classification: Likely pathogenic for Familial cancer of breast. Last evaluated: 2022-07-29. Review status: criteria provided, single submitter. Criteria: Invitae Variant Classification Sherloc (09022015). Collection method: clinical testing. Allele origin: germline.
Comment: In summary, the currently available evidence indicates that the variant is pathogenic, but additional data are needed to prove that conclusively. Therefore, this variant has been classified as Likely Pathogenic. Algorithms developed to predict the effect of sequence changes on RNA splicing suggest that this variant may disrupt the consensus splice site. Disruption of this splice site has been observed in individual(s) with BARD1-related cancer (PMID: 30613976). This variant is not present in population databases (gnomAD no frequency). This sequence change affects a donor splice site in intron 1 of the BARD1 gene. It is expected to disrupt RNA splicing. Variants that disrupt the donor or acceptor splice site typically lead to a loss of protein function (PMID: 16199547), and loss-of-function variants in BARD1 are known to be pathogenic (PMID: 20077502, 21344236).

Literature cited by the submitters: PubMed 30613976; PubMed 16199547; PubMed 20077502; PubMed 21344236.

NM_000465.4(BARD1):c.158+1G>A

Gene: BARD1 (BRCA1 associated RING domain 1; minus strand). Cytogenetic location: 2q35.
Variant type: single nucleotide variant.
Coding change: c.158+1G>A on transcript NM_000465.4 (MANE Select); the canonical splice donor site of the intron after coding-DNA position 158, G replaced by A.
Molecular consequence: splice donor variant.
Genome position (GRCh38, 1-based): chr2:214,809,411, C>T on the plus strand (G>A on the coding strand, the complement: BARD1 is on the minus strand). VCF-style: chr2-214809411-C-T. GRCh37 (hg19) VCF-style: chr2-215674135-C-T.
Other names: c.158+1G>A (NM_001282548.2, NM_001282543.2, NM_001282545.2 and 1 more transcripts).
Identifiers: ClinVar variation 2020110 (VCV002020110.4), dbSNP rs1553628351, ClinGen allele CA350464685.